The following is an entry in ClinVar:

ClinVar aggregate classification (germline): Uncertain significance. Review status: criteria provided, multiple submitters, no conflicts (2 of 4 stars). 2 submissions from 2 submitters: Uncertain significance (2). Last evaluated 2025-08-29.

Conditions:
Early-infantile DEE. Also called: Early infantile epileptic encephalopathy with suppression bursts; Early infantile epileptic encephalopathy; Ohtahara syndrome. Identifiers: Orphanet 1934, MedGen C0393706, MONDO:0800491.

Allele frequency attached by ClinVar (database versions not stated): gnomAD exomes below 0.00001; ExAC 0.00001.
gnomAD v4.1: 2 of 1,614,154 alleles (0.00012%); highest among the groups gnomAD compares: Admixed American, 0.0017%; no homozygotes.

Submissions (2):

Labcorp Genetics (formerly Invitae), Labcorp
Classification: Uncertain significance for Early-infantile DEE. Last evaluated: 2025-08-29. Review status: criteria provided, single submitter. Criteria: Invitae Variant Classification Sherloc (09022015). Collection method: clinical testing. Allele origin: germline.
Comment: This sequence change replaces glutamic acid, which is acidic and polar, with lysine, which is basic and polar, at codon 632 of the SPTAN1 protein (p.Glu632Lys). This variant is present in population databases (rs752335613, gnomAD 0.003%). This variant has not been reported in the literature in individuals affected with SPTAN1-related conditions. ClinVar contains an entry for this variant (Variation ID: 1896105). Invitae Evidence Modeling of protein sequence and biophysical properties (such as structural, functional, and spatial information, amino acid conservation, physicochemical variation, residue mobility, and thermodynamic stability) has been performed for this missense variant. However, the output from this modeling did not meet the statistical confidence thresholds required to predict the impact of this variant on SPTAN1 protein function. In summary, the available evidence is currently insufficient to determine the role of this variant in disease. Therefore, it has been classified as a Variant of Uncertain Significance.

GeneDx
Classification: Uncertain significance. Last evaluated: 2024-07-20. Review status: criteria provided, single submitter. Criteria: GeneDx Variant Classification Process June 2021. Collection method: clinical testing. Allele origin: germline. Affected: yes.
Comment: Not observed at significant frequency in large population cohorts (gnomAD); In silico analysis indicates that this missense variant does not alter protein structure/function; Has not been previously published as pathogenic or benign to our knowledge

NM_001130438.3(SPTAN1):c.1894G>A (p.Glu632Lys)

Gene: SPTAN1 (spectrin alpha, non-erythrocytic 1; plus strand). Cytogenetic location: 9q34.11.
Variant type: single nucleotide variant.
Coding change: c.1894G>A on transcript NM_001130438.3 (MANE Select); coding-DNA position 1894, G replaced by A.
Protein change: p.Glu632Lys; replaces glutamic acid 632 with lysine.
Molecular consequence: missense variant.
Genome position (GRCh38, 1-based): chr9:128,583,164, G>A. VCF-style: chr9-128583164-G-A. GRCh37 (hg19) VCF-style: chr9-131345443-G-A.
Other names: c.1894G>A, p.Glu632Lys (NM_001195532.2, NM_001363759.2, NM_001363765.2 and 5 more transcripts); c.1930G>A, p.Glu644Lys (NM_001375312.2, NM_001375318.1); c.1894G>A (NM_001130438.2); short protein forms E632K, E644K.
Identifiers: ClinVar variation 1896105 (VCV001896105.6), dbSNP rs752335613, ClinGen allele CA5264533.